The following is an entry in ClinVar:

NM_001286.5(CLCN6):c.1918C>T (p.Arg640Cys)

Gene: CLCN6 (Cl-/H+ antiporter 6; plus strand). Cytogenetic location: 1p36.22.
Variant type: single nucleotide variant.
Coding change: c.1918C>T on transcript NM_001286.5 (MANE Select); coding-DNA position 1918, C replaced by T.
Protein change: p.Arg640Cys; replaces arginine 640 with cysteine.
Molecular consequence: missense variant. On other transcripts: non-coding transcript variant (1).
Genome position (GRCh38, 1-based): chr1:11,836,091, C>T. VCF-style: chr1-11836091-C-T. GRCh37 (hg19) VCF-style: chr1-11896148-C-T.
Other names: c.1852C>T, p.Arg618Cys (NM_001256959.2); c.1918C>T (NM_001286.2); short protein forms R618C, R640C.
Identifiers: ClinVar variation 1400841 (VCV001400841.8), dbSNP rs770239210, ClinGen allele CA596645.
Genomic context (GRCh38, chr1:11,836,091, plus strand): 5'-TCTCTGGTGAGCATCCTGCGCACCACGGTCCACCATGCCTTCCCGGTGGTCACAGAGAAC[C>T]GCGGTAACGAGAAGGAGTTCATGAAGGGCAACCAGCTCATCAGCAACAACATCAAGTTCA-3'
Protein context (NP_001277.2, residues 630-650): HHAFPVVTEN[Arg640Cys]GNEKEFMKGN

ClinVar aggregate classification (germline): Uncertain significance. Review status: criteria provided, multiple submitters, no conflicts (2 of 4 stars). 2 submissions from 2 submitters: Uncertain significance (2). Last evaluated 2025-01-30.

gnomAD v4.1: 29 of 1,613,734 alleles (0.0018%); highest among the groups gnomAD compares: East Asian, 0.0045%; no homozygotes.

Submissions (2):

Ambry Genetics
Classification: Uncertain significance. Last evaluated: 2025-01-30. Review status: criteria provided, single submitter. Criteria: Ambry Variant Classification Scheme 2023. Collection method: clinical testing. Allele origin: germline.

Labcorp Genetics (formerly Invitae), Labcorp
Classification: Uncertain significance. Last evaluated: 2024-07-03. Review status: criteria provided, single submitter. Criteria: Invitae Variant Classification Sherloc (09022015). Collection method: clinical testing. Allele origin: germline.
Comment: This sequence change replaces arginine, which is basic and polar, with cysteine, which is neutral and slightly polar, at codon 640 of the CLCN6 protein (p.Arg640Cys). This variant is present in population databases (rs770239210, gnomAD 0.008%). This variant has not been reported in the literature in individuals affected with CLCN6-related conditions. ClinVar contains an entry for this variant (Variation ID: 1400841). An algorithm developed to predict the effect of missense changes on protein structure and function (PolyPhen-2) suggests that this variant is likely to be disruptive. In summary, the available evidence is currently insufficient to determine the role of this variant in disease. Therefore, it has been classified as a Variant of Uncertain Significance.